The following is an entry in ClinVar:

ClinVar aggregate classification (germline): Likely pathogenic (1 of 4 stars; one submission).

Conditions:
TH-deficient dopa-responsive dystonia. Also called: Tyrosine Hydroxylase-Deficient Dopa-Responsive Dystonia; Segawa syndrome, autosomal recessive; DYT-TH. Identifiers: Orphanet 101150, MedGen C2673535, MONDO:0011551, OMIM 605407.

gnomAD v4.1: 1 of 1,612,584 alleles (0.000062%); highest among the groups gnomAD compares: African/African-American, 0.0013%; no homozygotes.

Submission:

Variantyx, Inc.
Classification: Likely pathogenic for TH-deficient dopa-responsive dystonia. Last evaluated: 2026-01-06. Review status: criteria provided, single submitter. Criteria: Variantyx Assertion Criteria 2022. Collection method: clinical testing. Allele origin: germline. Inheritance: Autosomal recessive inheritance. Affected: no.
Comment: This is a nonsense variant in the TH gene (OMIM: 191290). Pathogenic variants in this gene have been associated with autosomal recessive Segawa syndrome. This variant introduces a premature termination codon in exon 11 out of 13 and is expected to result in loss of function, which is a known disease mechanism for TH in this disorder (PMID: 24753243, 11160968) (PVS1). This variant has a 0.0013% maximum allele frequency in non-founder control populations (PM2). It has not been reported in individuals with TH-related disorders in the databases available for review. Based on the current evidence, this variant is classified as likely pathogenic for autosomal recessive Segawa syndrome.

Literature cited by the submitters: PubMed 24753243; PubMed 11160968.

NM_000360.4(TH):c.1188C>A (p.Tyr396Ter)

Gene: TH (tyrosine hydroxylase; minus strand). Cytogenetic location: 11p15.5.
Variant type: single nucleotide variant.
Coding change: c.1188C>A on transcript NM_000360.4 (MANE Select); coding-DNA position 1188, C replaced by A.
Protein change: p.Tyr396Ter; replaces tyrosine 396 with a stop codon.
Molecular consequence: nonsense.
Genome position (GRCh38, 1-based): chr11:2,165,680, G>T on the plus strand (C>A on the coding strand, the complement: TH is on the minus strand). VCF-style: chr11-2165680-G-T. GRCh37 (hg19) VCF-style: chr11-2186910-G-T.
Other names: c.1269C>A, p.Tyr423Ter (NM_199293.3); c.1200C>A, p.Tyr400Ter (NM_001440535.1); c.918C>A, p.Tyr306Ter (NM_001440536.1); c.906C>A, p.Tyr302Ter (NM_001440537.1); c.1281C>A, p.Tyr427Ter (NM_199292.3); short protein forms Y302*, Y306*, Y396*, Y400*, Y423*, Y427*.
Identifiers: ClinVar variation 4850111 (VCV004850111.1).